The following is an entry in ClinVar:

ClinVar aggregate classification (germline): Uncertain significance. Review status: criteria provided, multiple submitters, no conflicts (2 of 4 stars). 3 submissions from 3 submitters: Uncertain significance (3). Last evaluated 2023-05-26.

Conditions:
TTN-related disorder. Also called: TTN-related condition; TTN-related disease; TTN-related disorders.
Cardiovascular phenotype. Identifiers: MedGen CN230736.

Allele frequency attached by ClinVar (database versions not stated): gnomAD exomes below 0.00001 and 0.00001; TOPMed below 0.00001.
gnomAD v4.1: 3 of 1,613,176 alleles (0.00019%); highest among the groups gnomAD compares: Admixed American, 0.0033%; no homozygotes.

Submissions (3):

PreventionGenetics, part of Exact Sciences
Classification: Uncertain significance for TTN-related condition. Last evaluated: 2023-05-26. Review status: criteria provided, single submitter. Criteria: ACMG Guidelines, 2015. Collection method: clinical testing. Allele origin: germline.
Comment: The TTN c.64204A>G variant is predicted to result in the amino acid substitution p.Ile21402Val. To our knowledge, this variant has not been reported in the literature. This variant is reported in 0.0029% of alleles in individuals of Latino descent in gnomAD. At this time, the clinical significance of this variant is uncertain due to the absence of conclusive functional and genetic evidence.

GeneDx
Classification: Uncertain significance. Last evaluated: 2019-11-04. Review status: criteria provided, single submitter. Criteria: GeneDx Variant Classification Process June 2021. Collection method: clinical testing. Allele origin: germline. Affected: yes.
Comment: Not observed at a significant frequency in large population cohorts (Lek et al., 2016); Missense variant in a gene in which most reported pathogenic variants are truncating/loss-of-function; Has not been previously published as pathogenic or benign to our knowledge; In silico analysis, which includes protein predictors and evolutionary conservation, supports that this variant does not alter protein structure/function

Ambry Genetics
Classification: Uncertain significance for Cardiovascular phenotype. Last evaluated: 2018-01-25. Review status: criteria provided, single submitter. Criteria: Ambry Variant Classification Scheme 2023. Collection method: clinical testing. Allele origin: germline.
Comment: The p.I12337V variant (also known as c.37009A>G), located in coding exon 135 of the TTN gene, results from an A to G substitution at nucleotide position 37009. The isoleucine at codon 12337 is replaced by valine, an amino acid with highly similar properties. This amino acid position is not well conserved in available vertebrate species, and valine is the reference amino acid in other vertebrate species. In addition, this alteration is predicted to be tolerated by in silico analysis. Since supporting evidence is limited at this time, the clinical significance of this alteration remains unclear.

NM_001267550.2(TTN):c.64204A>G (p.Ile21402Val)

Genes: TTN-AS1 (TTN antisense RNA 1; plus strand), TTN (titin; minus strand). Cytogenetic location: 2q31.2.
Variant type: single nucleotide variant.
Coding change: c.64204A>G on transcript NM_001267550.2 (MANE Select); coding-DNA position 64204, A replaced by G.
Protein change: p.Ile21402Val; replaces isoleucine 21402 with valine.
Molecular consequence: missense variant.
Genome position (GRCh38, 1-based): chr2:178,586,697, T>C on the plus strand (A>G on the coding strand, the complement: TTN is on the minus strand). VCF-style: chr2-178586697-T-C. GRCh37 (hg19) VCF-style: chr2-179451424-T-C.
Other names: c.59281A>G, p.Ile19761Val (NM_001256850.1); c.37009A>G, p.Ile12337Val (NM_003319.4); c.56500A>G, p.Ile18834Val (NM_133378.4); c.37384A>G, p.Ile12462Val (NM_133432.3); c.37585A>G, p.Ile12529Val (NM_133437.4); short protein forms I12337V, I12462V, I12529V, I18834V, I19761V, I21402V.
Identifiers: ClinVar variation 1310053 (VCV001310053.5), dbSNP rs1157697777, ClinGen allele CA349442798.